The following is an entry in ClinVar:

NM_001375905.1(SGMS2):c.887A>G (p.Asn296Ser)

Genes: CYP2U1-AS1 (CYP2U1 and SGMS2 antisense RNA 1; minus strand), SGMS2 (sphingomyelin synthase 2; plus strand). Cytogenetic location: 4q25.
Variant type: single nucleotide variant.
Coding change: c.887A>G on transcript NM_001375905.1 (MANE Select); coding-DNA position 887, A replaced by G.
Protein change: p.Asn296Ser; replaces asparagine 296 with serine.
Molecular consequence: missense variant. On other transcripts: intron variant (1).
Genome position (GRCh38, 1-based): chr4:107,908,724, A>G. VCF-style: chr4-107908724-A-G. GRCh37 (hg19) VCF-style: chr4-108829880-A-G.
Other names: c.887A>G, p.Asn296Ser (NM_001136257.2, NM_001136258.2, NM_001375906.1 and 3 more transcripts); c.368A>G, p.Asn123Ser (NM_001375911.1); c.728-1626A>G (NM_001375910.1); short protein forms N123S, N296S.
Identifiers: ClinVar variation 4753578 (VCV004753578.1).

ClinVar aggregate classification (germline): Uncertain significance (1 of 4 stars; one submission).

gnomAD v4.1: 68 of 1,613,328 alleles (0.0042%); highest among the groups gnomAD compares: African/African-American, 0.0053%; no homozygotes.

Submission:

Labcorp Genetics (formerly Invitae), Labcorp
Classification: Uncertain significance. Last evaluated: 2025-11-05. Review status: criteria provided, single submitter. Criteria: Invitae Variant Classification Sherloc (09022015). Collection method: clinical testing. Allele origin: germline.
Comment: This sequence change replaces asparagine, which is neutral and polar, with serine, which is neutral and polar, at codon 296 of the SGMS2 protein (p.Asn296Ser). This variant is present in population databases (rs115774672, gnomAD 0.02%). This variant has not been reported in the literature in individuals affected with SGMS2-related conditions. Invitae Evidence Modeling of protein sequence and biophysical properties (such as structural, functional, and spatial information, amino acid conservation, physicochemical variation, residue mobility, and thermodynamic stability) indicates that this missense variant is not expected to disrupt SGMS2 protein function with a negative predictive value of 80%. In summary, the available evidence is currently insufficient to determine the role of this variant in disease. Therefore, it has been classified as a Variant of Uncertain Significance.